The following is an entry in ClinVar:

NM_014363.6(SACS):c.5469C>A (p.Cys1823Ter)

Gene: SACS (sacsin molecular chaperone; minus strand). Cytogenetic location: 13q12.12.
Variant type: single nucleotide variant.
Coding change: c.5469C>A on transcript NM_014363.6 (MANE Select); coding-DNA position 5469, C replaced by A.
Protein change: p.Cys1823Ter; replaces cysteine 1823 with a stop codon.
Molecular consequence: nonsense.
Genome position (GRCh38, 1-based): chr13:23,338,407, G>T on the plus strand (C>A on the coding strand, the complement: SACS is on the minus strand). VCF-style: chr13-23338407-G-T. GRCh37 (hg19) VCF-style: chr13-23912546-G-T.
Other names: c.5028C>A, p.Cys1676Ter (NM_001278055.2); c.5469C>A (NM_014363.5); short protein forms C1823*, C1676*.
Identifiers: ClinVar variation 371312 (VCV000371312.4), dbSNP rs1057517172, ClinGen allele CA16041631.

ClinVar aggregate classification (germline): Likely pathogenic. Review status: criteria provided, single submitter (1 of 4 stars). 2 submissions from 2 submitters: Likely pathogenic (1). 1 of the submissions does not count toward it. Last evaluated 2025-10-22.

Conditions:
Charlevoix-Saguenay spastic ataxia (SACS). Also called: Spastic ataxia of Charlevoix-Saguenay; SPASTIC ATAXIA 6, AUTOSOMAL RECESSIVE; AUTOSOMAL RECESSIVE SPASTIC ATAXIA OF CHARLEVOIX-SAGUENAY. Identifiers: Orphanet 98, MedGen C1849140, MONDO:0010041, OMIM 270550.

Submissions (2):

Natera, Inc.
Classification: Likely pathogenic for Charlevoix-Saguenay type spastic ataxia. Last evaluated: 2025-10-22. Review status: criteria provided, single submitter. Criteria: Natera Variant Classification Schema (03/2026). Collection method: clinical testing. Allele origin: germline.
Comment: The c.5469C>A variant in SACS is a nonsense variant predicted to introduce a stop codon at amino acid 1823. This variant is expected to result in nonsense mediated decay, truncation, or a dysfunctional protein product. This variant is rare in the general population with a frequency below the threshold expected for the associated phenotype(s). Given the available evidence, this variant is classified as Likely Pathogenic.

Counsyl
Classification: Likely pathogenic for Charlevoix-Saguenay spastic ataxia. Last evaluated: 2016-08-24. Review status: no assertion criteria provided. Collection method: clinical testing. Allele origin: unknown. Not counted in ClinVar's aggregate classification.